The following is an entry in ClinVar:

ClinVar aggregate classification (germline): Benign/Likely benign. Review status: criteria provided, multiple submitters, no conflicts (2 of 4 stars). 12 submissions from 12 submitters: Benign (3); Likely benign (8). 1 of the submissions does not count toward it. Last evaluated 2026-01-26.

Conditions:
Hereditary cancer-predisposing syndrome. Also called: Hereditary Cancer Syndrome; Tumor predisposition; Neoplastic Syndromes, Hereditary; Hereditary neoplastic syndrome. Identifiers: Orphanet 140162, MedGen C0027672, MeSH D009386, MONDO:0015356.
Tuberous sclerosis syndrome (TSC). Also called: Tuberous Sclerosis Complex; Tuberous sclerosis. Identifiers: Orphanet 805, MedGen C0041341, MONDO:0001734.
Tuberous sclerosis 2 (TSC2). Identifiers: Orphanet 805, MedGen C1860707, MONDO:0013199, OMIM 613254.

Allele frequency attached by ClinVar (database versions not stated): gnomAD 0.00001; TOPMed 0.00001; ExAC 0.00002; gnomAD exomes 0.00002 and 0.00003.
gnomAD v4.1: 36 of 1,612,394 alleles (0.0022%); highest among the groups gnomAD compares: East Asian, 0.0045%; no homozygotes.

Submissions (12):

Labcorp Genetics (formerly Invitae), Labcorp
Classification: Benign for Tuberous sclerosis 2. Last evaluated: 2026-01-26. Review status: criteria provided, single submitter. Criteria: Invitae Variant Classification Sherloc (09022015). Collection method: clinical testing. Allele origin: germline.

Quest Diagnostics Nichols Institute San Juan Capistrano
Classification: Likely benign. Last evaluated: 2025-07-30. Review status: criteria provided, single submitter. Criteria: Quest Diagnostics criteria. Collection method: clinical testing. Allele origin: unknown.

Myriad Genetics, Inc.
Classification: Benign for Tuberous sclerosis 2. Last evaluated: 2025-05-09. Review status: criteria provided, single submitter. Criteria: Myriad Autosomal Dominant, Autosomal Recessive and X-Linked Classification Criteria (2023). Collection method: clinical testing. Allele origin: unknown.
Comment: This variant is considered benign. This variant is a silent/synonymous amino acid change and it is not expected to impact splicing.

Blueprint Genetics
Classification: Likely benign. Last evaluated: 2024-01-03. Review status: criteria provided, single submitter. Criteria: ACMG Guidelines, 2015. Collection method: clinical testing. Allele origin: germline.

All of Us Research Program, National Institutes of Health
Classification: Likely benign for Tuberous sclerosis syndrome. Last evaluated: 2023-12-18. Review status: criteria provided, single submitter. Criteria: ACMG Guidelines, 2015. Collection method: clinical testing. Allele origin: germline. Inheritance: Autosomal dominant inheritance. Observed: 5 variant alleles, 5 heterozygotes.
Comment: This study involves interpretation of variants in research participants for the purpose of population health screening. Participant phenotype was not available at the time of variant classification. Additional details can be found in publication PMID: 35346344, PMCID: PMC8962531

Color Diagnostics, LLC DBA Color Health
Classification: Likely benign for Tuberous sclerosis syndrome. Last evaluated: 2022-09-07. Review status: criteria provided, single submitter. Criteria: ACMG Guidelines, 2015. Collection method: clinical testing. Allele origin: germline.

Genome-Nilou Lab
Classification: Benign for Tuberous sclerosis 2. Last evaluated: 2021-11-07. Review status: criteria provided, single submitter. Criteria: ACMG Guidelines, 2015. Collection method: clinical testing. Allele origin: germline. Affected: no.

CeGaT Center for Human Genetics Tuebingen
Classification: Likely benign. Last evaluated: 2021-10-01. Review status: criteria provided, single submitter. Criteria: CeGaT Center For Human Genetics Tuebingen Variant Classification Criteria Version 2. Collection method: clinical testing. Allele origin: germline. Affected: yes. Observed: 2 variant alleles.

Sema4
Classification: Likely benign for Hereditary cancer-predisposing syndrome. Last evaluated: 2021-03-25. Review status: criteria provided, single submitter. Criteria: Sema4 Curation Guidelines. Collection method: curation. Allele origin: germline.

GeneDx
Classification: Likely benign. Last evaluated: 2018-02-12. Review status: criteria provided, single submitter. Criteria: GeneDx Variant Classification (06012015). Collection method: clinical testing. Allele origin: germline. Affected: yes.
Comment: This variant is considered likely benign or benign based on one or more of the following criteria: it is a conservative change, it occurs at a poorly conserved position in the protein, it is predicted to be benign by multiple in silico algorithms, and/or has population frequency not consistent with disease.

Ambry Genetics
Classification: Likely benign for Hereditary cancer-predisposing syndrome. Last evaluated: 2016-10-06. Review status: criteria provided, single submitter. Criteria: Ambry Variant Classification Scheme 2023. Collection method: clinical testing. Allele origin: germline.

Tuberous sclerosis database (TSC2)
No classification provided. Condition: TSC. Review status: no classification provided. Criteria: Tuberous Sclerosis Database Assertion Criteria 2015. Collection method: curation. Allele origin: germline. Affected: yes. Not counted in ClinVar's aggregate classification.

Literature cited by the submitters: PubMed 10607950 (cited by Ambry Genetics).

NM_000548.5(TSC2):c.720C>T (p.Ile240=)

Gene: TSC2 (TSC complex subunit 2; plus strand). Cytogenetic location: 16p13.3.
Variant type: single nucleotide variant.
Coding change: c.720C>T on transcript NM_000548.5 (MANE Select); coding-DNA position 720, C replaced by T.
Protein change: p.Ile240=; no amino-acid change (isoleucine 240 retained).
Molecular consequence: synonymous variant.
Genome position (GRCh38, 1-based): chr16:2,056,715, C>T. VCF-style: chr16-2056715-C-T. GRCh37 (hg19) VCF-style: chr16-2106716-C-T.
Other names: c.720C>T, p.Ile240= (NM_001077183.3, NM_001114382.3, NM_001363528.2 and 3 more transcripts); c.609C>T, p.Ile203= (NM_001318827.2); c.573C>T, p.Ile191= (NM_001318829.2); c.120C>T, p.Ile40= (NM_001318831.2); c.753C>T, p.Ile251= (NM_001318832.2).
Identifiers: ClinVar variation 49909 (VCV000049909.56), dbSNP rs45517123, ClinGen allele CA022859.